The following is an entry in ClinVar:

NM_024702.3(ZNF750):c.944T>C (p.Leu315Pro)

Genes: TBCD (tubulin folding cofactor D), ZNF750 (zinc finger protein 750; minus strand). Cytogenetic location: 17q25.3.
Variant type: single nucleotide variant.
Coding change: c.944T>C on transcript NM_024702.3 (MANE Select); coding-DNA position 944, T replaced by C.
Protein change: p.Leu315Pro; replaces leucine 315 with proline.
Molecular consequence: missense variant. On other transcripts: intron variant (5).
Genome position (GRCh38, 1-based): chr17:82,831,511, A>G on the plus strand (T>C on the coding strand, the complement: ZNF750 is on the minus strand). VCF-style: chr17-82831511-A-G. GRCh37 (hg19) VCF-style: chr17-80789387-A-G.
Other names: c.1318+16577A>G (NM_005993.5, NM_001411102.1, NM_001437989.1); c.1267+16577A>G (NM_001411101.1); c.1129+16577A>G (NM_001438250.1); short protein forms L315P.
Identifiers: ClinVar variation 4212034 (VCV004212034.8).

ClinVar aggregate classification (germline): Conflicting classifications of pathogenicity. Review status: criteria provided, conflicting classifications (1 of 4 stars). 2 submissions from 2 submitters: Uncertain significance (1); Likely benign (1). Last evaluated 2025-09-01.

gnomAD v4.1: 373 of 1,614,112 alleles (0.023%); highest among the groups gnomAD compares: Middle Eastern, 0.43%; 1 homozygote.

Submissions (2):

CeGaT Center for Human Genetics Tuebingen
Classification: Likely benign. Last evaluated: 2025-09-01. Review status: criteria provided, single submitter. Criteria: CeGaT Center For Human Genetics Tuebingen Variant Classification Criteria Version 2. Collection method: clinical testing. Allele origin: germline. Affected: yes. Observed: 1 variant allele.
Comment: ZNF750: BP4

Ambry Genetics
Classification: Uncertain significance. Last evaluated: 2025-08-12. Review status: criteria provided, single submitter. Criteria: Ambry Variant Classification Scheme 2023. Collection method: clinical testing. Allele origin: germline.